The following is an entry in ClinVar:

NM_004320.6(ATP2A1):c.1312G>A (p.Gly438Ser)

Gene: ATP2A1 (ATPase sarcoplasmic/endoplasmic reticulum Ca2+ transporting 1; plus strand). Cytogenetic location: 16p11.2.
Variant type: single nucleotide variant.
Coding change: c.1312G>A on transcript NM_004320.6 (MANE Select); coding-DNA position 1312, G replaced by A.
Protein change: p.Gly438Ser; replaces glycine 438 with serine.
Molecular consequence: missense variant.
Genome position (GRCh38, 1-based): chr16:28,894,846, G>A. VCF-style: chr16-28894846-G-A. GRCh37 (hg19) VCF-style: chr16-28906167-G-A.
Other names: c.937G>A, p.Gly313Ser (NM_001286075.2); c.1312G>A, p.Gly438Ser (NM_173201.5); short protein forms G438S, G313S.
Identifiers: ClinVar variation 658641 (VCV000658641.11), dbSNP rs924674103, ClinGen allele CA279236193.

ClinVar aggregate classification (germline): Uncertain significance. Review status: criteria provided, multiple submitters, no conflicts (2 of 4 stars). 2 submissions from 2 submitters: Uncertain significance (2). Last evaluated 2023-07-31.

Conditions:
Inborn genetic diseases. Identifiers: MedGen C0950123, MeSH D030342.
Brody myopathy. Also called: BRODY DISEASE. Identifiers: Orphanet 53347, MedGen C1832918, MONDO:0010977, OMIM 601003.

Allele frequency attached by ClinVar (database versions not stated): gnomAD exomes below 0.00001 and 0.00001.

Submissions (2):

Ambry Genetics
Classification: Uncertain significance for Inborn genetic diseases. Last evaluated: 2023-07-31. Review status: criteria provided, single submitter. Criteria: Ambry Variant Classification Scheme 2023. Collection method: clinical testing. Allele origin: germline.

Labcorp Genetics (formerly Invitae), Labcorp
Classification: Uncertain significance for Brody myopathy. Last evaluated: 2018-11-06. Review status: criteria provided, single submitter. Criteria: Invitae Variant Classification Sherloc (09022015). Collection method: clinical testing. Allele origin: germline.
Comment: In summary, the available evidence is currently insufficient to determine the role of this variant in disease. Therefore, it has been classified as a Variant of Uncertain Significance. Algorithms developed to predict the effect of missense changes on protein structure and function are either unavailable or do not agree on the potential impact of this missense change (SIFT: "Deleterious"; PolyPhen-2: "Probably Damaging"; Align-GVGD: "Class C0"). This variant has not been reported in the literature in individuals with ATP2A1-related disease. This variant is not present in population databases (ExAC no frequency). This sequence change replaces glycine with serine at codon 438 of the ATP2A1 protein (p.Gly438Ser). The glycine residue is highly conserved and there is a small physicochemical difference between glycine and serine.